The following is an entry in ClinVar:

NM_017986.4(SLC52A1):c.707G>A (p.Gly236Glu)

Gene: SLC52A1 (solute carrier family 52 member 1; minus strand). Cytogenetic location: 17p13.2.
Variant type: single nucleotide variant.
Coding change: c.707G>A on transcript NM_017986.4 (MANE Select); coding-DNA position 707, G replaced by A.
Protein change: p.Gly236Glu; replaces glycine 236 with glutamic acid.
Molecular consequence: missense variant.
Genome position (GRCh38, 1-based): chr17:5,033,782, C>T on the plus strand (G>A on the coding strand, the complement: SLC52A1 is on the minus strand). VCF-style: chr17-5033782-C-T. GRCh37 (hg19) VCF-style: chr17-4937077-C-T.
Other names: c.707G>A (NM_001104577.1); c.707G>A, p.Gly236Glu (NM_001104577.2); short protein forms G236E.
Identifiers: ClinVar variation 2108024 (VCV002108024.6), dbSNP rs1975382325, ClinGen allele CA397329107.

ClinVar aggregate classification (germline): Uncertain significance. Review status: criteria provided, multiple submitters, no conflicts (2 of 4 stars). 2 submissions from 2 submitters: Uncertain significance (2). Last evaluated 2025-01-07.

Conditions:
Vitamin B2 deficiency. Identifiers: MedGen C0035528.

Allele frequency attached by ClinVar (database versions not stated): gnomAD exomes below 0.00001; TOPMed below 0.00001.
gnomAD v4.1: 1 of 1,614,212 alleles (0.000062%); highest among the groups gnomAD compares: Non-Finnish European, 0.000085%; no homozygotes.

Submissions (2):

Labcorp Genetics (formerly Invitae), Labcorp
Classification: Uncertain significance for Vitamin B2 deficiency. Last evaluated: 2025-01-07. Review status: criteria provided, single submitter. Criteria: Invitae Variant Classification Sherloc (09022015). Collection method: clinical testing. Allele origin: germline.
Comment: This sequence change replaces glycine, which is neutral and non-polar, with glutamic acid, which is acidic and polar, at codon 236 of the SLC52A1 protein (p.Gly236Glu). This variant is not present in population databases (gnomAD no frequency). This variant has not been reported in the literature in individuals affected with SLC52A1-related conditions. ClinVar contains an entry for this variant (Variation ID: 2108024). Invitae Evidence Modeling of protein sequence and biophysical properties (such as structural, functional, and spatial information, amino acid conservation, physicochemical variation, residue mobility, and thermodynamic stability) indicates that this missense variant is not expected to disrupt SLC52A1 protein function with a negative predictive value of 80%. In summary, the available evidence is currently insufficient to determine the role of this variant in disease. Therefore, it has been classified as a Variant of Uncertain Significance.

Ambry Genetics
Classification: Uncertain significance. Last evaluated: 2023-02-16. Review status: criteria provided, single submitter. Criteria: Ambry Variant Classification Scheme 2023. Collection method: clinical testing. Allele origin: germline.